The following is an entry in ClinVar:

NM_004187.5(KDM5C):c.4117+9A>G

Gene: KDM5C (lysine demethylase 5C; minus strand). Cytogenetic location: Xp11.22.
Variant type: single nucleotide variant.
Coding change: c.4117+9A>G on transcript NM_004187.5 (MANE Select); 9 bases into the intron after coding-DNA position 4117, A replaced by G.
Molecular consequence: intron variant.
Genome position (GRCh38, 1-based): chrX:53,193,764, T>C on the plus strand (A>G on the coding strand, the complement: KDM5C is on the minus strand). VCF-style: chrX-53193764-T-C. GRCh37 (hg19) VCF-style: chrX-53222946-T-C.
Other names: c.4105+18A>G (NM_001353982.2); c.4114+9A>G (NM_001353979.2, NM_001282622.3); c.4108+18A>G (NM_001353981.2, NM_001353984.2, NM_001353978.3); c.3907+18A>G (NM_001146702.2); c.4117+9A>G (NM_004187.3).
Identifiers: ClinVar variation 1603713 (VCV001603713.11), dbSNP rs367909568, ClinGen allele CA10419131.

ClinVar aggregate classification (germline): Benign/Likely benign. Review status: criteria provided, multiple submitters, no conflicts (2 of 4 stars). 3 submissions from 3 submitters: Benign (1); Likely benign (1). 1 of the submissions does not count toward it. Last evaluated 2025-11-12.

Conditions:
KDM5C-related disorder. Also called: KDM5C-related condition.
Spastic paraplegia. Identifiers: MedGen C0037772, HP:0001258.

Allele frequency attached by ClinVar (database versions not stated): TOPMed 0.00008; ESP Exome Variant Server 0.00009; gnomAD exomes 0.00009 and 0.00017; ExAC 0.00012; gnomAD 0.00013 and 0.00014.
gnomAD v4.1: 116 of 1,202,314 alleles (0.0096%); highest among the groups gnomAD compares: Non-Finnish European, 0.0027%; 1 homozygote.

Submissions (3):

Labcorp Genetics (formerly Invitae), Labcorp
Classification: Benign for Spastic paraplegia. Last evaluated: 2025-11-12. Review status: criteria provided, single submitter. Criteria: Invitae Variant Classification Sherloc (09022015). Collection method: clinical testing. Allele origin: germline.

Blueprint Genetics
Classification: Likely benign. Last evaluated: 2024-03-11. Review status: criteria provided, single submitter. Criteria: ACMG Guidelines, 2015. Collection method: clinical testing. Allele origin: germline.

PreventionGenetics, part of Exact Sciences
Classification: Likely benign for KDM5C-related condition. Last evaluated: 2021-07-07. Review status: no assertion criteria provided. Collection method: clinical testing. Allele origin: germline. Not counted in ClinVar's aggregate classification.
Comment: This variant is classified as likely benign based on ACMG/AMP sequence variant interpretation guidelines (Richards et al. 2015 PMID: 25741868, with internal and published modifications).